The following is an entry in ClinVar:

ClinVar aggregate classification (germline): Uncertain significance (1 of 4 stars; one submission).

Submission:

Labcorp Genetics (formerly Invitae), Labcorp
Classification: Uncertain significance. Last evaluated: 2022-09-27. Review status: criteria provided, single submitter. Criteria: Invitae Variant Classification Sherloc (09022015). Collection method: clinical testing. Allele origin: germline.
Comment: This sequence change replaces arginine, which is basic and polar, with glutamine, which is neutral and polar, at codon 1810 of the ADAMTS9 protein (p.Arg1810Gln). This variant is present in population databases (no rsID available, gnomAD 6%), and has an allele count higher than expected for a pathogenic variant. This variant has not been reported in the literature in individuals affected with ADAMTS9-related conditions. ClinVar contains an entry for this variant (Variation ID: 1418357). Algorithms developed to predict the effect of missense changes on protein structure and function are either unavailable or do not agree on the potential impact of this missense change (SIFT: "Not Available"; PolyPhen-2: "Possibly Damaging"; Align-GVGD: "Not Available"). In summary, the available evidence is currently insufficient to determine the role of this variant in disease. Therefore, it has been classified as a Variant of Uncertain Significance.

NM_182920.2(ADAMTS9):c.5429_5430delinsAA (p.Arg1810Gln)

Genes: ADAMTS9 (ADAM metallopeptidase with thrombospondin type 1 motif 9; minus strand), LOC126806704 (BRD4-independent group 4 enhancer GRCh37_chr3:64526487-64527686; plus strand). Cytogenetic location: 3p14.1.
Variant type: Indel.
Coding change: c.5429_5430delinsAA on transcript NM_182920.2 (MANE Select); coding-DNA positions 5429 to 5430, GC replaced by AA.
Protein change: p.Arg1810Gln; replaces arginine 1810 with glutamine.
Molecular consequence: missense variant.
Genome position (GRCh38, 1-based): chr3:64,541,186-64,541,187, GC replaced by TT on the plus strand (GC replaced by AA on the coding strand, the reverse complement: ADAMTS9 is on the minus strand). VCF-style: chr3-64541186-GC-TT. GRCh37 (hg19) VCF-style: chr3-64526862-GC-TT.
Other names: c.5345_5346delinsAA, p.Arg1782Gln (NM_001318781.2); short protein forms R1782Q, R1810Q.
Identifiers: ClinVar variation 1418357 (VCV001418357.3), dbSNP rs2106910634, ClinGen allele CA2573137446.